The following is an entry in ClinVar:

ClinVar aggregate classification (germline): Uncertain significance (1 of 4 stars; one submission).

Conditions:
Familial cancer of breast. Also called: hereditary breast carcinoma; Hereditary breast cancer; BREAST CANCER, FAMILIAL. Identifiers: Orphanet 227535, MedGen C0346153, MONDO:0016419, OMIM 114480. Disease mechanism: loss of function.

Submission:

KCCC/NGS Laboratory, Kuwait Cancer Control Center
Classification: Uncertain significance for Familial cancer of breast. Last evaluated: 2023-06-06. Review status: criteria provided, single submitter. Criteria: ACMG Guidelines, 2015. Collection method: clinical testing. Allele origin: germline. Affected: yes.
Comment: A variant of uncertain significance was detected in the ATM gene (c.4220T>C). This sequence change replaces isoleucine with threonine at codon 1407 of the ATM protein (p.Ile1407Thr). The isoleucine residue is moderately conserved. This variant is not present in population databases (ExAC no frequency). This variant has not been reported in the literature in individuals with ATM-related disease. In-silico predictions show pathogenic computational verdict based on 9 pathogenic predictions from BayesDel_addAF, DANN, FATHMM-MKL, LIST-S2, M-CAP, MVP, MutationAssessor, MutationTaster and SIFT vs 3 benign predictions from DEOGEN2, EIGEN and PrimateAI.These predictions have not been confirmed by published functional studies and their clinical significance is uncertain. Therefore, it has been classified as a Variant of Uncertain Significance. Heterozygous pathogenic/likely pathogenic mutations in the ATM gene cause susceptibility to breast cancer (OMIM# 114480).

NM_000051.4(ATM):c.4220T>C (p.Ile1407Thr)

Gene: ATM (ATM serine/threonine kinase; plus strand). Cytogenetic location: 11q22.3.
Variant type: single nucleotide variant.
Coding change: c.4220T>C on transcript NM_000051.4 (MANE Select); coding-DNA position 4220, T replaced by C.
Protein change: p.Ile1407Thr; replaces isoleucine 1407 with threonine.
Molecular consequence: missense variant.
Genome position (GRCh38, 1-based): chr11:108,289,087, T>C. VCF-style: chr11-108289087-T-C. GRCh37 (hg19) VCF-style: chr11-108159814-T-C.
Other names: c.4220T>C, p.Ile1407Thr (NM_001351834.2); short protein forms I1407T.
Identifiers: ClinVar variation 2506974 (VCV002506974.2), dbSNP rs1234250980, ClinGen allele CA382530570.
Genomic context (GRCh38, chr11:108,289,087, plus strand): 5'-AAGCAACATTTGCCTATATCAGCAATTGTCATAAAACCAAGTTAAAAAGCATTTTAGAAA[T>C]TCTTTCCAAAAGCCCTGTAAGTATACATGATGAGTTTAATAATAGAACATTCCTTCTTTT-3'
Protein context (NP_000042.3, residues 1397-1417): HKTKLKSILE[Ile1407Thr]LSKSPDSYQK